The following is an entry in ClinVar:

ClinVar aggregate classification (germline): Benign (1 of 4 stars; one submission).

Conditions:
Stargardt disease 3. Also called: MACULAR DYSTROPHY WITH FLECKS, TYPE 3; STARGARDT-LIKE MACULAR DYSTROPHY, AUTOSOMAL DOMINANT. Identifiers: Orphanet 827, MedGen C1838644, MONDO:0010819, OMIM 600110.

Allele frequency attached by ClinVar (database versions not stated): 1000 Genomes Project 30x 0.02358; 1000 Genomes Project 0.02376; TOPMed 0.03038; gnomAD 0.03213 and 0.03371; gnomAD exomes 0.05090.
gnomAD v4.1: 4,887 of 152,632 alleles (3.2%); highest among the groups gnomAD compares: Middle Eastern, 6.1%; 108 homozygotes.

Submission:

Illumina Laboratory Services, Illumina
Classification: Benign for Stargardt disease 3. Last evaluated: 2018-01-13. Review status: criteria provided, single submitter. Criteria: ICSL Variant Classification Criteria 13 December 2019. Collection method: clinical testing. Allele origin: germline.
Comment: This variant was observed in the ICSL laboratory as part of a predisposition screen in an ostensibly healthy population. It had not been previously curated by ICSL or reported in the Human Gene Mutation Database (HGMD: prior to June 1st, 2018), and was therefore a candidate for classification through an automated scoring system. Utilizing variant allele frequency, disease prevalence and penetrance estimates, and inheritance mode, an automated score was calculated to assess if this variant is too frequent to cause the disease. Based on the score and internal cut-off values, a variant classified as benign is not then subjected to further curation. The score for this variant resulted in a classification of benign for this disease.

NM_022726.4(ELOVL4):c.*1066T>G

Gene: ELOVL4 (ELOVL fatty acid elongase 4; minus strand). Cytogenetic location: 6q14.1.
Variant type: single nucleotide variant.
Coding change: c.*1066T>G on transcript NM_022726.4 (MANE Select); 1066 bases downstream of the stop codon, T replaced by G.
Molecular consequence: 3 prime UTR variant.
Genome position (GRCh38, 1-based): chr6:79,915,542, A>C on the plus strand (T>G on the coding strand, the complement: ELOVL4 is on the minus strand). VCF-style: chr6-79915542-A-C. GRCh37 (hg19) VCF-style: chr6-80625259-A-C.
Identifiers: ClinVar variation 358126 (VCV000358126.5), dbSNP rs45594338, ClinGen allele CA10627682.
Genomic context (GRCh38, chr6:79,915,542, plus strand): 5'-TAGTCACAAGGAAAACGTTACTCCAAAATTAAACACATTGAAAGAGAAGGATAGTTTCAC[A>C]GAAATGTTTGGTGTATGCTATTTGTCATAAAAGCAAAAAAAATACTAGTGGATTTGAAAG-3'